The following is an entry in ClinVar:

NM_001369.3(DNAH5):c.5880C>T (p.Asp1960=)

Gene: DNAH5 (dynein axonemal heavy chain 5; minus strand). Cytogenetic location: 5p15.2.
Variant type: single nucleotide variant.
Coding change: c.5880C>T on transcript NM_001369.3 (MANE Select); coding-DNA position 5880, C replaced by T.
Protein change: p.Asp1960=; no amino-acid change (aspartic acid 1960 retained).
Molecular consequence: synonymous variant.
Genome position (GRCh38, 1-based): chr5:13,839,358, G>A on the plus strand (C>T on the coding strand, the complement: DNAH5 is on the minus strand). VCF-style: chr5-13839358-G-A. GRCh37 (hg19) VCF-style: chr5-13839467-G-A.
Identifiers: ClinVar variation 906737 (VCV000906737.23), dbSNP rs1764848840, ClinGen allele CA443254894.

ClinVar aggregate classification (germline): Conflicting classifications of pathogenicity. Review status: criteria provided, conflicting classifications (1 of 4 stars). 3 submissions from 3 submitters: Uncertain significance (2); Likely benign (1). Last evaluated 2025-09-11.

Conditions:
Primary ciliary dyskinesia 3. Identifiers: Orphanet 244, MedGen C1837618, MONDO:0012085, OMIM 608644.
Situs inversus. Also called: Situs inversus totalis. Identifiers: Orphanet 101063, MedGen C4551493, MONDO:0010029, HP:0001696.
Primary ciliary dyskinesia. Also called: Ciliary dyskinesia. Identifiers: Orphanet 244, MedGen C0008780, MONDO:0016575, HP:0012265.

gnomAD v4.1: 4 of 1,613,918 alleles (0.00025%); no homozygotes.

Submissions (3):

Labcorp Genetics (formerly Invitae), Labcorp
Classification: Likely benign for Primary ciliary dyskinesia. Last evaluated: 2025-09-11. Review status: criteria provided, single submitter. Criteria: Invitae Variant Classification Sherloc (09022015). Collection method: clinical testing. Allele origin: germline.

Clinical Genetics Laboratory, Skane University Hospital Lund
Classification: Uncertain significance for Situs inversus. Last evaluated: 2025-03-27. Review status: criteria provided, single submitter. Criteria: ACMG Guidelines, 2015. Collection method: clinical testing. Allele origin: germline. Affected: yes.
Comment: ACMG-criteria applied: PM2, PP3 (SpliceAI-score ≥0.2)

Illumina Laboratory Services, Illumina
Classification: Uncertain significance for Primary ciliary dyskinesia 3. Last evaluated: 2018-01-13. Review status: criteria provided, single submitter. Criteria: ICSL Variant Classification Criteria 13 December 2019. Collection method: clinical testing. Allele origin: germline.